The following is an entry in ClinVar:

NM_000257.4(MYH7):c.2381G>A (p.Gly794Asp)

Genes: MYH7 (myosin heavy chain 7; minus strand), LOC126861898 (BRD4-independent group 4 enhancer GRCh37_chr14:23893609-23894808; plus strand). Cytogenetic location: 14q11.2.
Variant type: single nucleotide variant.
Coding change: c.2381G>A on transcript NM_000257.4 (MANE Select); coding-DNA position 2381, G replaced by A.
Protein change: p.Gly794Asp; replaces glycine 794 with aspartic acid.
Molecular consequence: missense variant.
Genome position (GRCh38, 1-based): chr14:23,425,324, C>T on the plus strand (G>A on the coding strand, the complement: MYH7 is on the minus strand). VCF-style: chr14-23425324-C-T. GRCh37 (hg19) VCF-style: chr14-23894533-C-T.
Other names: c.2381G>A, p.Gly794Asp (NM_001407004.1); short protein forms G794D.
Identifiers: ClinVar variation 3069624 (VCV003069624.1), dbSNP rs2502285791, ClinGen allele CA389048537.

ClinVar aggregate classification (germline): Uncertain significance (1 of 4 stars; one submission).

Conditions:
Cardiomyopathy (CMYO). Also called: Cardiomyopathies. Identifiers: Orphanet 167848, MedGen C0878544, MONDO:0004994, HP:0001638. Inheritance: Various modes of inheritance.

Submission:

All of Us Research Program, National Institutes of Health
Classification: Uncertain significance for Cardiomyopathy. Last evaluated: 2023-02-24. Review status: criteria provided, single submitter. Criteria: ACMG Guidelines, 2015. Collection method: clinical testing. Allele origin: germline. Inheritance: Autosomal dominant inheritance. Observed: 1 variant allele, 1 heterozygote.
Comment: This missense variant replaces glycine with aspartic acid at codon 794 of the MYH7 protein. This variant is found within a highly conserved region of the myosin head domain. Missense variants in this region have been shown to be significantly overrepresented in individuals with hypertrophic cardiomyopathy (PMID: 27532257). Computational prediction suggests that this variant may have deleterious impact on protein structure and function (internally defined REVEL score threshold >= 0.7, PMID: 27666373). To our knowledge, functional studies have not been reported for this variant. This variant has not been reported in individuals affected with cardiovascular disorders in the literature. This variant has not been identified in the general population by the Genome Aggregation Database (gnomAD). The available evidence is insufficient to determine the role of this variant in disease conclusively. Therefore, this variant is classified as a Variant of Uncertain Significance.

This study involves interpretation of variants in research participants for the purpose of population health screening. Participant phenotype was not available at the time of variant classification. Additional details can be found in publication PMID: 35346344, PMCID: PMC8962531

Literature cited by the submitters: PubMed 27532257.